The following is an entry in ClinVar:

NM_017617.5(NOTCH1):c.6955G>C (p.Val2319Leu)

Gene: NOTCH1 (notch receptor 1; minus strand). Cytogenetic location: 9q34.3.
Variant type: single nucleotide variant.
Coding change: c.6955G>C on transcript NM_017617.5 (MANE Select); coding-DNA position 6955, G replaced by C.
Protein change: p.Val2319Leu; replaces valine 2319 with leucine.
Molecular consequence: missense variant.
Genome position (GRCh38, 1-based): chr9:136,496,784, C>G on the plus strand (G>C on the coding strand, the complement: NOTCH1 is on the minus strand). VCF-style: chr9-136496784-C-G. GRCh37 (hg19) VCF-style: chr9-139391236-C-G.
Other names: short protein forms V2319L.
Identifiers: ClinVar variation 5017504 (VCV005017504.1).

ClinVar aggregate classification (germline): Uncertain significance (1 of 4 stars; one submission).

Submission:

GeneDx
Classification: Uncertain significance. Last evaluated: 2026-03-25. Review status: criteria provided, single submitter. Criteria: GeneDx Variant Classification Process June 2021. Collection method: clinical testing. Allele origin: germline.
Comment: Not observed at significant frequency in large population cohorts (gnomAD); In silico analysis suggests that this missense variant does not alter protein structure/function; Has not been previously published as pathogenic or benign to our knowledge